The following is an entry in ClinVar:

NM_000384.3(APOB):c.11276C>T (p.Pro3759Leu)

Gene: APOB (apolipoprotein B; minus strand). Cytogenetic location: 2p24.1.
Variant type: single nucleotide variant.
Coding change: c.11276C>T on transcript NM_000384.3 (MANE Select); coding-DNA position 11276, C replaced by T.
Protein change: p.Pro3759Leu; replaces proline 3759 with leucine.
Molecular consequence: missense variant.
Genome position (GRCh38, 1-based): chr2:21,005,592, G>A on the plus strand (C>T on the coding strand, the complement: APOB is on the minus strand). VCF-style: chr2-21005592-G-A. GRCh37 (hg19) VCF-style: chr2-21228464-G-A.
Other names: short protein forms P3759L.
Identifiers: ClinVar variation 3415814 (VCV003415814.1), dbSNP rs1266759927.

ClinVar aggregate classification (germline): Uncertain significance (1 of 4 stars; one submission).

Conditions:
Cardiovascular phenotype. Identifiers: MedGen CN230736.

Allele frequency attached by ClinVar (database versions not stated): gnomAD 0.00001; TOPMed 0.00001.

Submission:

Ambry Genetics
Classification: Uncertain significance for Cardiovascular phenotype. Last evaluated: 2024-08-19. Review status: criteria provided, single submitter. Criteria: Ambry Variant Classification Scheme 2023. Collection method: clinical testing. Allele origin: germline.
Comment: The p.P3759L variant (also known as c.11276C>T), located in coding exon 26 of the APOB gene, results from a C to T substitution at nucleotide position 11276. The proline at codon 3759 is replaced by leucine, an amino acid with similar properties. This amino acid position is conserved. In addition, the in silico prediction for this alteration is inconclusive. Based on the available evidence, the clinical significance of this variant remains unclear.